The following is an entry in ClinVar:

NM_001851.6(COL9A1):c.604G>A (p.Glu202Lys)

Gene: COL9A1 (collagen type IX alpha 1 chain; minus strand). Cytogenetic location: 6q13.
Variant type: single nucleotide variant.
Coding change: c.604G>A on transcript NM_001851.6 (MANE Select); coding-DNA position 604, G replaced by A.
Protein change: p.Glu202Lys; replaces glutamic acid 202 with lysine.
Molecular consequence: missense variant.
Genome position (GRCh38, 1-based): chr6:70,294,259, C>T on the plus strand (G>A on the coding strand, the complement: COL9A1 is on the minus strand). VCF-style: chr6-70294259-C-T. GRCh37 (hg19) VCF-style: chr6-71003962-C-T.
Other names: c.604G>A, p.Glu202Lys (NM_001377291.1); short protein forms E202K.
Identifiers: ClinVar variation 1318828 (VCV001318828.4), dbSNP rs779384045, ClinGen allele CA364670681.

ClinVar aggregate classification (germline): Uncertain significance. Review status: criteria provided, multiple submitters, no conflicts (2 of 4 stars). 2 submissions from 2 submitters: Uncertain significance (2). Last evaluated 2024-12-02.

Allele frequency attached by ClinVar (database versions not stated): TOPMed below 0.00001; gnomAD 0.00001.

Submissions (2):

Labcorp Genetics (formerly Invitae), Labcorp
Classification: Uncertain significance. Last evaluated: 2024-12-02. Review status: criteria provided, single submitter. Criteria: Invitae Variant Classification Sherloc (09022015). Collection method: clinical testing. Allele origin: germline.
Comment: This sequence change replaces glutamic acid, which is acidic and polar, with lysine, which is basic and polar, at codon 202 of the COL9A1 protein (p.Glu202Lys). This variant is present in population databases (no rsID available, gnomAD 0.0009%). This variant has not been reported in the literature in individuals affected with COL9A1-related conditions. ClinVar contains an entry for this variant (Variation ID: 1318828). Invitae Evidence Modeling of protein sequence and biophysical properties (such as structural, functional, and spatial information, amino acid conservation, physicochemical variation, residue mobility, and thermodynamic stability) indicates that this missense variant is not expected to disrupt COL9A1 protein function with a negative predictive value of 95%. In summary, the available evidence is currently insufficient to determine the role of this variant in disease. Therefore, it has been classified as a Variant of Uncertain Significance.

GeneDx
Classification: Uncertain significance. Last evaluated: 2019-09-05. Review status: criteria provided, single submitter. Criteria: GeneDx Variant Classification Process June 2021. Collection method: clinical testing. Allele origin: germline. Affected: yes.
Comment: Has not been previously published as pathogenic or benign to our knowledge; Not observed at a significant frequency in large population cohorts (Lek et al., 2016); In silico analysis, which includes protein predictors and evolutionary conservation, supports that this variant does not alter protein structure/function